The following is an entry in ClinVar:

NM_020754.4(ARHGAP31):c.1823C>T (p.Pro608Leu)

Gene: ARHGAP31 (Rho GTPase activating protein 31; plus strand). Cytogenetic location: 3q13.33.
Variant type: single nucleotide variant.
Coding change: c.1823C>T on transcript NM_020754.4 (MANE Select); coding-DNA position 1823, C replaced by T.
Protein change: p.Pro608Leu; replaces proline 608 with leucine.
Molecular consequence: missense variant.
Genome position (GRCh38, 1-based): chr3:119,409,673, C>T. VCF-style: chr3-119409673-C-T. GRCh37 (hg19) VCF-style: chr3-119128520-C-T.
Other names: short protein forms P608L.
Identifiers: ClinVar variation 2169050 (VCV002169050.6), dbSNP rs773084870, ClinGen allele CA2553908.
Genomic context (GRCh38, chr3:119,409,673, plus strand): 5'-AAACCCCAGAAAGCTCCTTGAGCTCTCAACATTTAAATGAATTAGAGAAGAGGCCAAATC[C>T]GGAGAAGGTGGTGGAGGAGGGACGAGAGGCTGGTGAGATGGAGTCCAGCACCCTGCAGGA-3'
Protein context (NP_065805.2, residues 598-618): HLNELEKRPN[Pro608Leu]EKVVEEGREA

ClinVar aggregate classification (germline): Conflicting classifications of pathogenicity. Review status: criteria provided, conflicting classifications (1 of 4 stars). 2 submissions from 2 submitters: Uncertain significance (1); Likely benign (1). Last evaluated 2024-05-02.

Conditions:
Inborn genetic diseases. Identifiers: MedGen C0950123, MeSH D030342.

Allele frequency attached by ClinVar (database versions not stated): ExAC 0.00001; gnomAD 0.00003 and 0.00006; gnomAD exomes 0.00005 and 0.00017; TOPMed 0.00010.

Submissions (2):

Labcorp Genetics (formerly Invitae), Labcorp
Classification: Uncertain significance. Last evaluated: 2024-05-02. Review status: criteria provided, single submitter. Criteria: Invitae Variant Classification Sherloc (09022015). Collection method: clinical testing. Allele origin: germline.
Comment: This sequence change replaces proline, which is neutral and non-polar, with leucine, which is neutral and non-polar, at codon 608 of the ARHGAP31 protein (p.Pro608Leu). This variant is present in population databases (rs773084870, gnomAD 0.009%). This variant has not been reported in the literature in individuals affected with ARHGAP31-related conditions. ClinVar contains an entry for this variant (Variation ID: 2169050). Algorithms developed to predict the effect of missense changes on protein structure and function output the following: SIFT: "Not Available"; PolyPhen-2: "Benign"; Align-GVGD: "Not Available". The leucine amino acid residue is found in multiple mammalian species, which suggests that this missense change does not adversely affect protein function. In summary, the available evidence is currently insufficient to determine the role of this variant in disease. Therefore, it has been classified as a Variant of Uncertain Significance.

Ambry Genetics
Classification: Likely benign for Inborn genetic diseases. Last evaluated: 2023-03-24. Review status: criteria provided, single submitter. Criteria: Ambry Variant Classification Scheme 2023. Collection method: clinical testing. Allele origin: germline.